The following is an entry in ClinVar:

ClinVar aggregate classification (germline): Uncertain significance (1 of 4 stars; one submission).

Conditions:
LAMB2-related infantile-onset nephrotic syndrome. Also called: Nephrotic Syndrome, type 5; NEPHROTIC SYNDROME, TYPE 5, WITHOUT OCULAR ABNORMALITIES; NEPHROTIC SYNDROME, TYPE 5, WITH OCULAR ABNORMALITIES. Identifiers: Orphanet 306507, MedGen C3280113, MONDO:0013621, OMIM 614199.
Pierson syndrome. Also called: MICROCORIA-CONGENITAL NEPHROTIC SYNDROME. Identifiers: Orphanet 2670, MedGen C1836876, MONDO:0012184, OMIM 609049.

Allele frequency attached by ClinVar (database versions not stated): gnomAD exomes below 0.00001; ExAC 0.00001.
gnomAD v4.1: 8 of 1,613,986 alleles (0.0005%); highest among the groups gnomAD compares: African/African-American, 0.0053%; no homozygotes.

Submission:

Labcorp Genetics (formerly Invitae), Labcorp
Classification: Uncertain significance for LAMB2-related infantile-onset nephrotic syndrome; Pierson syndrome. Last evaluated: 2022-08-03. Review status: criteria provided, single submitter. Criteria: Invitae Variant Classification Sherloc (09022015). Collection method: clinical testing. Allele origin: germline.
Comment: This sequence change replaces arginine, which is basic and polar, with cysteine, which is neutral and slightly polar, at codon 663 of the LAMB2 protein (p.Arg663Cys). This variant is not present in population databases (gnomAD no frequency). This variant has not been reported in the literature in individuals affected with LAMB2-related conditions. Algorithms developed to predict the effect of missense changes on protein structure and function are either unavailable or do not agree on the potential impact of this missense change (SIFT: "Deleterious"; PolyPhen-2: "Possibly Damaging"; Align-GVGD: "Class C15"). In summary, the available evidence is currently insufficient to determine the role of this variant in disease. Therefore, it has been classified as a Variant of Uncertain Significance.

NM_002292.4(LAMB2):c.1987C>T (p.Arg663Cys)

Gene: LAMB2 (laminin subunit beta 2; minus strand). Cytogenetic location: 3p21.31.
Variant type: single nucleotide variant.
Coding change: c.1987C>T on transcript NM_002292.4 (MANE Select); coding-DNA position 1987, C replaced by T.
Protein change: p.Arg663Cys; replaces arginine 663 with cysteine.
Molecular consequence: missense variant.
Genome position (GRCh38, 1-based): chr3:49,128,489, G>A on the plus strand (C>T on the coding strand, the complement: LAMB2 is on the minus strand). VCF-style: chr3-49128489-G-A. GRCh37 (hg19) VCF-style: chr3-49165922-G-A.
Other names: short protein forms R663C.
Identifiers: ClinVar variation 1961004 (VCV001961004.2), dbSNP rs756114040, ClinGen allele CA2394439.